The following is an entry in ClinVar:

ClinVar aggregate classification (germline): Uncertain significance (1 of 4 stars; one submission).

Conditions:
Fibrous dysplasia of jaw (CRBM). Also called: Cherubism. Identifiers: Orphanet 184, MedGen C0008029, MONDO:0007315, OMIM 118400.

Allele frequency attached by ClinVar (database versions not stated): gnomAD 0.00001.
gnomAD v4.1: 2 of 1,613,902 alleles (0.00012%); highest among the groups gnomAD compares: South Asian, 0.0011%; no homozygotes.

Submission:

Labcorp Genetics (formerly Invitae), Labcorp
Classification: Uncertain significance for Fibrous dysplasia of jaw. Last evaluated: 2025-06-23. Review status: criteria provided, single submitter. Criteria: Invitae Variant Classification Sherloc (09022015). Collection method: clinical testing. Allele origin: germline.
Comment: This sequence change replaces proline, which is neutral and non-polar, with serine, which is neutral and polar, at codon 476 of the SH3BP2 protein (p.Pro476Ser). This variant is present in population databases (rs776527305, gnomAD 0.003%). This variant has not been reported in the literature in individuals affected with SH3BP2-related conditions. ClinVar contains an entry for this variant (Variation ID: 1467949). Invitae Evidence Modeling of protein sequence and biophysical properties (such as structural, functional, and spatial information, amino acid conservation, physicochemical variation, residue mobility, and thermodynamic stability) indicates that this missense variant is not expected to disrupt SH3BP2 protein function with a negative predictive value of 95%. In summary, the available evidence is currently insufficient to determine the role of this variant in disease. Therefore, it has been classified as a Variant of Uncertain Significance.

NM_001122681.2(SH3BP2):c.1426C>T (p.Pro476Ser)

Gene: SH3BP2 (SH3 domain binding protein 2; plus strand). Cytogenetic location: 4p16.3.
Variant type: single nucleotide variant.
Coding change: c.1426C>T on transcript NM_001122681.2 (MANE Select); coding-DNA position 1426, C replaced by T.
Protein change: p.Pro476Ser; replaces proline 476 with serine.
Molecular consequence: missense variant.
Genome position (GRCh38, 1-based): chr4:2,832,350, C>T. VCF-style: chr4-2832350-C-T. GRCh37 (hg19) VCF-style: chr4-2834077-C-T.
Other names: c.1510C>T, p.Pro504Ser (NM_001145855.2); c.1597C>T, p.Pro533Ser (NM_001145856.2); c.1426C>T, p.Pro476Ser (NM_003023.4); short protein forms P504S, P533S, P476S.
Identifiers: ClinVar variation 1467949 (VCV001467949.8), dbSNP rs776527305, ClinGen allele CA2819546.
Genomic context (GRCh38, chr4:2,832,350, plus strand): 5'-CCGAGGAGGACTCACCCGCTAATATGACTGTCTTATTTTAGGTTGTTCAAGGCTACAAGC[C>T]CCCGGGGAGAGCCCCAGGATGGACTCTACTGCATCCGGAACTCCTCTACCAAGTCGGGGA-3'
Protein context (NP_001116153.1, residues 466-486): EVERLFKATS[Pro476Ser]RGEPQDGLYC